The following is an entry in ClinVar:

NM_002230.4(JUP):c.370A>T (p.Lys124Ter)

Gene: JUP (junction plakoglobin; minus strand). Cytogenetic location: 17q21.2.
Variant type: single nucleotide variant.
Coding change: c.370A>T on transcript NM_002230.4 (MANE Select); coding-DNA position 370, A replaced by T.
Protein change: p.Lys124Ter; replaces lysine 124 with a stop codon.
Molecular consequence: nonsense.
Genome position (GRCh38, 1-based): chr17:41,769,516, T>A on the plus strand (A>T on the coding strand, the complement: JUP is on the minus strand). VCF-style: chr17-41769516-T-A. GRCh37 (hg19) VCF-style: chr17-39925768-T-A.
Other names: c.370A>T, p.Lys124Ter (NM_001352773.2, NM_001352774.2, NM_001352775.2 and 3 more transcripts); short protein forms K124*.
Identifiers: ClinVar variation 2625419 (VCV002625419.4), dbSNP rs1278511367, ClinGen allele CA399505224.

ClinVar aggregate classification (germline): Conflicting classifications of pathogenicity. Review status: criteria provided, conflicting classifications (1 of 4 stars). 2 submissions from 2 submitters: Pathogenic (1); Uncertain significance (1). Last evaluated 2024-11-28.

Conditions:
Cardiovascular phenotype. Identifiers: MedGen CN230736.
Naxos disease (NXD). Also called: WOOLLY HAIR, PALMOPLANTAR KERATODERMA, AND CARDIAC ABNORMALITIES; CARDIOMYOPATHY, ARRHYTHMOGENIC RIGHT VENTRICULAR, WITH SKIN, HAIR, AND NAIL ABNORMALITIES; KERATOSIS PALMOPLANTARIS WITH ARRHYTHMOGENIC CARDIOMYOPATHY; MAL DE NAXOS; PALMOPLANTAR KERATODERMA WITH ARRHYTHMOGENIC RIGHT VENTRICULAR CARDIOMYOPATHY AND WOOLLY HAIR. Identifiers: Orphanet 34217, MedGen C1832600, MONDO:0011017, OMIM 601214.
Arrhythmogenic right ventricular dysplasia 12. Also called: ARRHYTHMOGENIC RIGHT VENTRICULAR DYSPLASIA, FAMILIAL, 12. Identifiers: MedGen C1969081, MONDO:0012684, OMIM 611528.

Allele frequency attached by ClinVar (database versions not stated): TOPMed below 0.00001.

Submissions (2):

Labcorp Genetics (formerly Invitae), Labcorp
Classification: Pathogenic for Arrhythmogenic right ventricular dysplasia 12; Naxos disease. Last evaluated: 2024-11-28. Review status: criteria provided, single submitter. Criteria: Invitae Variant Classification Sherloc (09022015). Collection method: clinical testing. Allele origin: germline.
Comment: This sequence change creates a premature translational stop signal (p.Lys124*) in the JUP gene. It is expected to result in an absent or disrupted protein product. Loss-of-function variants in JUP are known to be pathogenic (PMID: 10902626). This variant is not present in population databases (gnomAD no frequency). This variant has not been reported in the literature in individuals affected with JUP-related conditions. ClinVar contains an entry for this variant (Variation ID: 2625419). For these reasons, this variant has been classified as Pathogenic.

Ambry Genetics
Classification: Uncertain significance for Cardiovascular phenotype. Last evaluated: 2023-07-31. Review status: criteria provided, single submitter. Criteria: Ambry Variant Classification Scheme 2023. Collection method: clinical testing. Allele origin: germline.
Comment: The p.K124* variant (also known as c.370A>T), located in coding exon 2 of the JUP gene, results from an A to T substitution at nucleotide position 370. This changes the amino acid from a lysine to a stop codon within coding exon 2. This alteration is expected to result in loss of function by premature protein truncation or nonsense-mediated mRNA decay. Although biallelic loss of function alterations in JUP have been associated with autosomal recessive Naxos disease, haploinsufficiency for JUP has not been clearly established as a mechanism of disease for autosomal dominant JUP-related arrhythmogenic right ventricular cardiomyopathy (ARVC). Based on the supporting evidence, this variant is expected to be causative of autosomal recessive Naxos disease when present along with a second pathogenic variant on the other allele; however, its clinical significance for autosomal dominant JUP-related ARVC is unclear.

Literature cited by the submitters: PubMed 10902626 (cited by Labcorp Genetics (formerly Invitae), Labcorp).